The following is an entry in ClinVar:

NM_001282531.3(ADNP):c.1306C>A (p.Pro436Thr)

Gene: ADNP (activity dependent neuroprotector homeobox; minus strand). Cytogenetic location: 20q13.13.
Variant type: single nucleotide variant.
Coding change: c.1306C>A on transcript NM_001282531.3 (MANE Select); coding-DNA position 1306, C replaced by A.
Protein change: p.Pro436Thr; replaces proline 436 with threonine.
Molecular consequence: missense variant.
Genome position (GRCh38, 1-based): chr20:50,893,408, G>T on the plus strand (C>A on the coding strand, the complement: ADNP is on the minus strand). VCF-style: chr20-50893408-G-T. GRCh37 (hg19) VCF-style: chr20-49509945-G-T.
Other names: c.1306C>A, p.Pro436Thr (NM_181442.4, NM_001282532.2, NM_001347511.2 and 1 more transcripts); c.1306C>A (NM_015339.2); short protein forms P436T.
Identifiers: ClinVar variation 2849810 (VCV002849810.4), dbSNP rs1264010630, ClinGen allele CA408973905.
Genomic context (GRCh38, chr20:50,893,408, plus strand): 5'-AAAGCTCATTACAGATTGTACATATTTTCCACTTTTGAGTTGAGGAAGTGTTACCTGGGG[G>T]AGGGCCTGTGGCAGCTGCAGCAGGTTTGGAACTGGACTGACCTAACACTCTGGATGCCTG-3'
Protein context (NP_001269460.1, residues 426-446): SKPAAAATGP[Pro436Thr]PGNTSSTQKW

ClinVar aggregate classification (germline): Uncertain significance. Review status: criteria provided, multiple submitters, no conflicts (2 of 4 stars). 2 submissions from 2 submitters: Uncertain significance (2). Last evaluated 2026-04-16.

Conditions:
Inborn genetic diseases. Identifiers: MedGen C0950123, MeSH D030342.

Submissions (2):

Ambry Genetics
Classification: Uncertain significance for Inborn genetic diseases. Last evaluated: 2026-04-16. Review status: criteria provided, single submitter. Criteria: Ambry Variant Classification Scheme 2023. Collection method: clinical testing. Allele origin: germline.

Labcorp Genetics (formerly Invitae), Labcorp
Classification: Uncertain significance. Last evaluated: 2023-09-19. Review status: criteria provided, single submitter. Criteria: Invitae Variant Classification Sherloc (09022015). Collection method: clinical testing. Allele origin: germline.
Comment: In summary, the available evidence is currently insufficient to determine the role of this variant in disease. Therefore, it has been classified as a Variant of Uncertain Significance. An algorithm developed to predict the effect of missense changes on protein structure and function (PolyPhen-2) suggests that this variant is likely to be tolerated. This variant has not been reported in the literature in individuals affected with ADNP-related conditions. This variant is not present in population databases (gnomAD no frequency). This sequence change replaces proline, which is neutral and non-polar, with threonine, which is neutral and polar, at codon 436 of the ADNP protein (p.Pro436Thr).